The following is an entry in ClinVar:

NM_153704.6(TMEM67):c.454C>T (p.Leu152Phe)

Gene: TMEM67 (transmembrane protein 67; plus strand). Cytogenetic location: 8q22.1.
Variant type: single nucleotide variant.
Coding change: c.454C>T on transcript NM_153704.6 (MANE Select); coding-DNA position 454, C replaced by T.
Protein change: p.Leu152Phe; replaces leucine 152 with phenylalanine.
Molecular consequence: missense variant. On other transcripts: non-coding transcript variant (1).
Genome position (GRCh38, 1-based): chr8:93,763,889, C>T. VCF-style: chr8-93763889-C-T. GRCh37 (hg19) VCF-style: chr8-94776117-C-T.
Other names: c.211C>T, p.Leu71Phe (NM_001142301.1); short protein forms L152F, L71F.
Identifiers: ClinVar variation 1359570 (VCV001359570.5), dbSNP rs1563679425, ClinGen allele CA371686383.

ClinVar aggregate classification (germline): Uncertain significance (1 of 4 stars; one submission).

Conditions:
Joubert syndrome. Also called: CEREBELLOPARENCHYMAL DISORDER IV; JOUBERT-BOLTSHAUSER SYNDROME; Familial aplasia of the vermis. Identifiers: Orphanet 475, MedGen C5979921, MONDO:0018772.
Meckel-Gruber syndrome. Also called: DYSENCEPHALIA SPLANCHNOCYSTICA; GRUBER SYNDROME; Dysencephalia splachnocystica. Identifiers: Orphanet 564, MedGen C0265215, MONDO:0018921.

Allele frequency attached by ClinVar (database versions not stated): gnomAD exomes below 0.00001.
gnomAD v4.1: 2 of 1,613,850 alleles (0.00012%); highest among the groups gnomAD compares: Middle Eastern, 0.017%; no homozygotes.

Submission:

Labcorp Genetics (formerly Invitae), Labcorp
Classification: Uncertain significance for Joubert syndrome; Meckel-Gruber syndrome. Last evaluated: 2021-09-24. Review status: criteria provided, single submitter. Criteria: Invitae Variant Classification Sherloc (09022015). Collection method: clinical testing. Allele origin: germline.
Comment: This sequence change replaces leucine with phenylalanine at codon 152 of the TMEM67 protein (p.Leu152Phe). The leucine residue is moderately conserved and there is a small physicochemical difference between leucine and phenylalanine. This variant is not present in population databases (ExAC no frequency). This variant has not been reported in the literature in individuals with TMEM67-related conditions. Advanced modeling of protein sequence and biophysical properties (such as structural, functional, and spatial information, amino acid conservation, physicochemical variation, residue mobility, and thermodynamic stability) performed at Invitae indicates that this missense variant is not expected to disrupt TMEM67 protein function. In summary, the available evidence is currently insufficient to determine the role of this variant in disease. Therefore, it has been classified as a Variant of Uncertain Significance.